The following is an entry in ClinVar:

ClinVar aggregate classification (germline): Uncertain significance. Review status: criteria provided, multiple submitters, no conflicts (2 of 4 stars). 3 submissions from 3 submitters: Uncertain significance (3). Last evaluated 2025-12-17.

Conditions:
Classic or attenuated familial adenomatous polyposis. Identifiers: MedGen CN372698, MONDO:0021057.
Familial adenomatous polyposis 1 (FAP1). Also called: FAMILIAL ADENOMATOUS POLYPOSIS 1, ATTENUATED; POLYPOSIS, ADENOMATOUS INTESTINAL. Identifiers: MedGen C2713442, MONDO:0021056, OMIM 175100. Disease mechanism: loss of function.

Submissions (3):

Labcorp Genetics (formerly Invitae), Labcorp
Classification: Uncertain significance for Familial adenomatous polyposis 1. Last evaluated: 2025-12-17. Review status: criteria provided, single submitter. Criteria: Invitae Variant Classification Sherloc (09022015). Collection method: clinical testing. Allele origin: germline.
Comment: This variant occurs in a non-coding region of the APC gene. It does not change the encoded amino acid sequence of the APC protein. This variant is not present in population databases (gnomAD no frequency). This variant has not been reported in the literature in individuals affected with APC-related conditions. Experimental studies and prediction algorithms are not available or were not evaluated, and the functional significance of this variant is currently unknown. In summary, the available evidence is currently insufficient to determine the role of this variant in disease. Therefore, it has been classified as a Variant of Uncertain Significance.

All of Us Research Program, National Institutes of Health
Classification: Uncertain significance for Classic or attenuated familial adenomatous polyposis. Last evaluated: 2023-04-03. Review status: criteria provided, single submitter. Criteria: ACMG Guidelines, 2015. Collection method: clinical testing. Allele origin: germline. Inheritance: Autosomal dominant inheritance. Observed: 1 variant allele, 1 heterozygote.
Comment: This variant is a C>A change in the 5' upstream regulatory region of the APC gene. To our knowledge, expression studies have not been reported for this variant. This variant has not been reported in individuals affected with APC-related disorders in the literature. This variant has not been identified in the general population by the Genome Aggregation Database (gnomAD). The available evidence is insufficient to determine the role of this variant in disease conclusively. Therefore, this variant is classified as a Variant of Uncertain Significance.

This study involves interpretation of variants in research participants for the purpose of population health screening. Participant phenotype was not available at the time of variant classification. Additional details can be found in publication PMID: 35346344, PMCID: PMC8962531

GeneDx
Classification: Uncertain significance. Last evaluated: 2022-10-04. Review status: criteria provided, single submitter. Criteria: GeneDx Variant Classification Process June 2021. Collection method: clinical testing. Allele origin: germline. Affected: yes.
Comment: Describes a nucleotide substitution 188 base pairs upstream of the ATG translational start site of the APC promoter 1B region; Reliable data are not available in large population cohorts to assess the frequency of this variant in publicly available databases; however, this variant has not been detected at significant frequency in presumably healthy individuals tested at GeneDx.; Has not been previously published as pathogenic or benign to our knowledge; Also known as c.-47361C>A; This variant is associated with the following publications: (PMID: 27087319)

NM_001127511.3(APC):c.-188C>A

Genes: APC (APC regulator of Wnt signaling pathway; plus strand), LOC129994371 (ATAC-STARR-seq lymphoblastoid active region 22910; plus strand). Cytogenetic location: 5q22.2.
Variant type: single nucleotide variant.
Coding change: c.-188C>A on transcript NM_001127511.3; 188 bases upstream of the start codon, C replaced by A.
Molecular consequence: 5 prime UTR variant. On other transcripts: non-coding transcript variant (2).
Genome position (GRCh38, 1-based): chr5:112,707,530, C>A. VCF-style: chr5-112707530-C-A. GRCh37 (hg19) VCF-style: chr5-112043227-C-A.
Other names: c.-371C>A (NM_001354895.2, NM_001407447.1, NM_001407452.1 and 3 more transcripts); c.-188C>A (NM_001354897.2, NM_001354902.2, NM_001407446.1); c.-138C>A (NM_001407448.1, NM_001407450.1, NM_001407457.1 and 1 more transcripts); c.-162C>A (NM_001407453.1); c.-1406C>A (NM_001407470.1, NM_001407472.1).
Identifiers: ClinVar variation 1514430 (VCV001514430.8), dbSNP rs761454123, ClinGen allele CA1573442397.